The following is an entry in ClinVar:

NM_005677.4(COLQ):c.379C>G (p.Arg127Gly)

Gene: COLQ (collagen like tail subunit of asymmetric acetylcholinesterase; minus strand). Cytogenetic location: 3p25.1.
Variant type: single nucleotide variant.
Coding change: c.379C>G on transcript NM_005677.4 (MANE Select); coding-DNA position 379, C replaced by G.
Protein change: p.Arg127Gly; replaces arginine 127 with glycine.
Molecular consequence: missense variant.
Genome position (GRCh38, 1-based): chr3:15,478,991, G>C on the plus strand (C>G on the coding strand, the complement: COLQ is on the minus strand). VCF-style: chr3-15478991-G-C. GRCh37 (hg19) VCF-style: chr3-15520498-G-C.
Other names: c.349C>G, p.Arg117Gly (NM_080538.2); c.277C>G, p.Arg93Gly (NM_080539.4); short protein forms R117G, R93G, R127G.
Identifiers: ClinVar variation 844822 (VCV000844822.10), dbSNP rs143766249, ClinGen allele CA2276205.

ClinVar aggregate classification (germline): Uncertain significance. Review status: criteria provided, multiple submitters, no conflicts (2 of 4 stars). 2 submissions from 2 submitters: Uncertain significance (2). Last evaluated 2025-06-27.

Conditions:
Congenital myasthenic syndrome 5. Identifiers: Orphanet 590, MedGen C1864233, MONDO:0011281, OMIM 603034.

Allele frequency attached by ClinVar (database versions not stated): TOPMed 0.00004; ESP Exome Variant Server 0.00046.
gnomAD v4.1: 26 of 1,614,016 alleles (0.0016%); highest among the groups gnomAD compares: African/African-American, 0.029%; no homozygotes.

Submissions (2):

Labcorp Genetics (formerly Invitae), Labcorp
Classification: Uncertain significance for Congenital myasthenic syndrome 5. Last evaluated: 2025-06-27. Review status: criteria provided, single submitter. Criteria: Invitae Variant Classification Sherloc (09022015). Collection method: clinical testing. Allele origin: germline.
Comment: This sequence change replaces arginine, which is basic and polar, with glycine, which is neutral and non-polar, at codon 127 of the COLQ protein (p.Arg127Gly). This variant is present in population databases (rs143766249, gnomAD 0.06%). This variant has not been reported in the literature in individuals affected with COLQ-related conditions. ClinVar contains an entry for this variant (Variation ID: 844822). Invitae Evidence Modeling of protein sequence and biophysical properties (such as structural, functional, and spatial information, amino acid conservation, physicochemical variation, residue mobility, and thermodynamic stability) indicates that this missense variant is not expected to disrupt COLQ protein function with a negative predictive value of 80%. In summary, the available evidence is currently insufficient to determine the role of this variant in disease. Therefore, it has been classified as a Variant of Uncertain Significance.

GeneDx
Classification: Uncertain significance. Last evaluated: 2024-01-07. Review status: criteria provided, single submitter. Criteria: GeneDx Variant Classification Process June 2021. Collection method: clinical testing. Allele origin: germline. Affected: yes.
Comment: In silico analysis supports that this missense variant does not alter protein structure/function; Has not been previously published as pathogenic or benign to our knowledge